The following is an entry in ClinVar:

NM_007294.4(BRCA1):c.894_895delinsGT (p.Asn298_Val299delinsLysLeu)

Gene: BRCA1 (BRCA1 DNA repair associated; minus strand). Cytogenetic location: 17q21.31.
Variant type: Indel.
Coding change: c.894_895delinsGT on transcript NM_007294.4 (MANE Select); coding-DNA positions 894 to 895, TG replaced by GT.
Protein change: p.Asn298_Val299delinsLysLeu.
Molecular consequence: missense variant. On other transcripts: intron variant (137).
Genome position (GRCh38, 1-based): chr17:43,094,636-43,094,637, CA replaced by AC on the plus strand (TG replaced by GT on the coding strand, the reverse complement: BRCA1 is on the minus strand). VCF-style: chr17-43094636-CA-AC. GRCh37 (hg19) VCF-style: chr17-41246653-CA-AC.
Other names: c.681_682delinsGT, p.Asn227_Val228delinsLysLeu (NM_001407571.1, NM_001407853.1, NM_001407894.1 and 9 more transcripts); c.894_895delinsGT, p.Asn298_Val299delinsLysLeu (NM_001407581.1, NM_001407582.1, NM_001407583.1 and 30 more transcripts); c.891_892delinsGT, p.Asn297_Val298delinsLysLeu (NM_001407587.1, NM_001407590.1, NM_001407591.1 and 22 more transcripts); c.885_886delinsGT, p.Asn295_Val296delinsLysLeu (NM_001407646.1, NM_001407647.1); c.771_772delinsGT, p.Asn257_Val258delinsLysLeu (NM_001407648.1, NM_001407664.1, NM_001407665.1 and 19 more transcripts); c.768_769delinsGT, p.Asn256_Val257delinsLysLeu (NM_001407649.1, NM_001407670.1, NM_001407671.1 and 11 more transcripts); c.816_817delinsGT, p.Asn272_Val273delinsLysLeu (NM_001407653.1, NM_001407654.1, NM_001407655.1 and 4 more transcripts); c.813_814delinsGT, p.Asn271_Val272delinsLysLeu (NM_001407659.1, NM_001407660.1, NM_001407661.1 and 1 more transcripts); and 40 more.
Identifiers: ClinVar variation 2585847 (VCV002585847.2), dbSNP rs2552227530, ClinGen allele CA2582342174.

ClinVar aggregate classification (germline): Uncertain significance (1 of 4 stars; one submission).

Conditions:
Hereditary cancer-predisposing syndrome. Also called: Hereditary neoplastic syndrome; Tumor predisposition; Hereditary Cancer Syndrome; Neoplastic Syndromes, Hereditary. Identifiers: Orphanet 140162, MedGen C0027672, MeSH D009386, MONDO:0015356.

Submission:

Ambry Genetics
Classification: Uncertain significance for Hereditary cancer-predisposing syndrome. Last evaluated: 2023-09-13. Review status: criteria provided, single submitter. Criteria: Ambry Variant Classification Scheme 2023. Collection method: clinical testing. Allele origin: germline.
Comment: The c.894_895delTGinsGT variant (also known as p.N298_V299delinsKL), located in coding exon 9 of the BRCA1 gene, results from an in-frame deletion of TG and insertion of GT at nucleotide positions 894 to 895. This results in the substitution of asparagine and valine residues for a lysine and leucine residue at codon 298 and 299. These amino acid positions are not well conserved in available vertebrate species. In addition, this alteration is predicted to be deleterious by in silico analysis (Choi Y et al. PLoS ONE. 2012; 7(10):e46688). Since supporting evidence is limited at this time, the clinical significance of this alteration remains unclear.